The following is an entry in ClinVar:

NM_032043.3(BRIP1):c.2096A>C (p.Lys699Thr)

Gene: BRIP1 (BRCA1 interacting DNA helicase 1; minus strand). Cytogenetic location: 17q23.2.
Variant type: single nucleotide variant.
Coding change: c.2096A>C on transcript NM_032043.3 (MANE Select); coding-DNA position 2096, A replaced by C.
Protein change: p.Lys699Thr; replaces lysine 699 with threonine.
Molecular consequence: missense variant.
Genome position (GRCh38, 1-based): chr17:61,776,402, T>G on the plus strand (A>C on the coding strand, the complement: BRIP1 is on the minus strand). VCF-style: chr17-61776402-T-G. GRCh37 (hg19) VCF-style: chr17-59853763-T-G.
Other names: short protein forms K699T.
Identifiers: ClinVar variation 1785793 (VCV001785793.2), dbSNP rs2145025358, ClinGen allele CA400477958.

ClinVar aggregate classification (germline): Uncertain significance (1 of 4 stars; one submission).

Conditions:
Hereditary cancer-predisposing syndrome. Also called: Neoplastic Syndromes, Hereditary; Tumor predisposition; Hereditary Cancer Syndrome; Hereditary neoplastic syndrome. Identifiers: Orphanet 140162, MedGen C0027672, MeSH D009386, MONDO:0015356.

Submission:

Ambry Genetics
Classification: Uncertain significance for Hereditary cancer-predisposing syndrome. Last evaluated: 2021-12-29. Review status: criteria provided, single submitter. Criteria: Ambry Variant Classification Scheme 2023. Collection method: clinical testing. Allele origin: germline.
Comment: The p.K699T variant (also known as c.2096A>C), located in coding exon 13 of the BRIP1 gene, results from an A to C substitution at nucleotide position 2096. The lysine at codon 699 is replaced by threonine, an amino acid with similar properties. This amino acid position is conserved. In addition, the in silico prediction for this alteration is inconclusive. Since supporting evidence is limited at this time, the clinical significance of this alteration remains unclear.